The following is an entry in ClinVar:

ClinVar aggregate classification (germline): Likely pathogenic (1 of 4 stars; one submission).

Conditions:
Autosomal recessive limb-girdle muscular dystrophy type 2B (LGMDR2). Also called: MUSCULAR DYSTROPHY, LIMB-GIRDLE, TYPE 3; MUSCULAR DYSTROPHY, LIMB-GIRDLE, AUTOSOMAL RECESSIVE 2; Limb-Girdle Muscular Dystrophy Type 2B (LGMD2B); Limb-girdle muscular dystrophy, type 2B. Identifiers: Orphanet 268, MedGen C1850889, MONDO:0009676, OMIM 253601.

gnomAD v4.1: 3 of 1,557,988 alleles (0.00019%); highest among the groups gnomAD compares: Non-Finnish European, 0.00017%; no homozygotes.

Submission:

Natera, Inc.
Classification: Likely pathogenic for Limb-girdle muscular dystrophy type 2B. Last evaluated: 2024-05-31. Review status: criteria provided, single submitter. Criteria: Natera Variant Classification Schema (03/2026). Collection method: clinical testing. Allele origin: germline.
Comment: The c.2056-2A>G variant in DYSF is a canonical splice acceptor site variant predicted to affect pre-mRNA splicing, which may result in an abnormal transcript and altered protein product. This variant is expected to result in nonsense mediated decay, truncation, or a dysfunctional protein product. This variant is rare in the general population with a frequency below the threshold expected for the associated phenotype(s). Given the available evidence, this variant is classified as Likely Pathogenic.

NM_001130987.2(DYSF):c.2110-2A>G

Gene: DYSF (dysferlin; plus strand). Cytogenetic location: 2p13.2.
Variant type: single nucleotide variant.
Coding change: c.2110-2A>G on transcript NM_001130987.2 (MANE Select); the canonical splice acceptor site of the intron before coding-DNA position 2110, A replaced by G.
Molecular consequence: splice acceptor variant.
Genome position (GRCh38, 1-based): chr2:71,555,963, A>G. VCF-style: chr2-71555963-A-G. GRCh37 (hg19) VCF-style: chr2-71783093-A-G.
Other names: c.2149-2A>G (NM_001130979.2); c.2107-2A>G (NM_001130981.2, NM_001130980.2); c.2056-2A>G (NM_001130978.2, NM_003494.4); c.2014-2A>G (NM_001130977.2, NM_001130976.2); c.2152-2A>G (NM_001130982.2); c.2110-2A>G (NM_001130985.2); c.2059-2A>G (NM_001130983.2, NM_001130455.2); c.2017-2A>G (NM_001130984.2, NM_001130986.2).
Identifiers: ClinVar variation 4815132 (VCV004815132.1).